The following is an entry in ClinVar:

ClinVar aggregate classification (germline): Uncertain significance (1 of 4 stars; one submission).

Conditions:
Charcot-Marie-Tooth disease dominant intermediate B (CMTDIB). Also called: CHARCOT-MARIE-TOOTH NEUROPATHY, DOMINANT INTERMEDIATE B; Charcot-Marie-Tooth disease dominant intermediate 1; CMT DI1; Charcot-Marie-Tooth disease dominant intermediate I. Identifiers: Orphanet 100044, Orphanet 228179, MedGen C1847902, MONDO:0011674, OMIM 606482.

Submission:

Labcorp Genetics (formerly Invitae), Labcorp
Classification: Uncertain significance for Charcot-Marie-Tooth disease dominant intermediate B. Last evaluated: 2020-03-15. Review status: criteria provided, single submitter. Criteria: Invitae Variant Classification Sherloc (09022015). Collection method: clinical testing. Allele origin: germline.
Comment: This sequence change replaces isoleucine with serine at codon 232 of the DNM2 protein (p.Ile232Ser). The isoleucine residue is highly conserved and there is a large physicochemical difference between isoleucine and serine. This variant is not present in population databases (ExAC no frequency). This variant has not been reported in the literature in individuals with DNM2-related conditions. Algorithms developed to predict the effect of missense changes on protein structure and function (SIFT, PolyPhen-2, Align-GVGD) all suggest that this variant is likely to be disruptive, but these predictions have not been confirmed by published functional studies and their clinical significance is uncertain. In summary, the available evidence is currently insufficient to determine the role of this variant in disease. Therefore, it has been classified as a Variant of Uncertain Significance.

NM_001005361.3(DNM2):c.695T>G (p.Ile232Ser)

Gene: DNM2 (dynamin 2; plus strand). Cytogenetic location: 19p13.2.
Variant type: single nucleotide variant.
Coding change: c.695T>G on transcript NM_001005361.3 (MANE Select); coding-DNA position 695, T replaced by G.
Protein change: p.Ile232Ser; replaces isoleucine 232 with serine.
Molecular consequence: missense variant.
Genome position (GRCh38, 1-based): chr19:10,782,966, T>G. VCF-style: chr19-10782966-T-G. GRCh37 (hg19) VCF-style: chr19-10893642-T-G.
Other names: c.695T>G, p.Ile232Ser (NM_001005360.3, NM_001005362.3, NM_001190716.2 and 1 more transcripts); short protein forms I232S.
Identifiers: ClinVar variation 1059975 (VCV001059975.9), dbSNP rs749672066, ClinGen allele CA404045005.